The following is an entry in ClinVar:

NM_152701.5(ABCA13):c.3737A>G (p.Lys1246Arg)

Gene: ABCA13 (ATP binding cassette subfamily A member 13; plus strand). Cytogenetic location: 7p12.3.
Variant type: single nucleotide variant.
Coding change: c.3737A>G on transcript NM_152701.5 (MANE Select); coding-DNA position 3737, A replaced by G.
Protein change: p.Lys1246Arg; replaces lysine 1246 with arginine.
Molecular consequence: missense variant.
Genome position (GRCh38, 1-based): chr7:48,273,403, A>G. VCF-style: chr7-48273403-A-G. GRCh37 (hg19) VCF-style: chr7-48313000-A-G.
Other names: NC_000007.13:g.48313000A>G; c.3737A>G (NM_152701.4); short protein forms K1246R.
Identifiers: ClinVar variation 2355940 (VCV002355940.5), dbSNP rs185694250, ClinGen allele CA4256901.

ClinVar aggregate classification (germline): Uncertain significance. Review status: criteria provided, single submitter (1 of 4 stars). 2 submissions from 2 submitters: Uncertain significance (1). 1 of the submissions does not count toward it. Last evaluated 2021-09-17.

Conditions:
ABCA13-related disorder. Also called: ABCA13-related condition.

Allele frequency attached by ClinVar (database versions not stated): ExAC 0.00031; gnomAD exomes 0.00037; gnomAD 0.00043; TOPMed 0.00044; ESP Exome Variant Server 0.00059; 1000 Genomes Project 30x 0.00078; 1000 Genomes Project 0.00080.
gnomAD v4.1: 609 of 1,613,578 alleles (0.038%); highest among the groups gnomAD compares: Admixed American, 0.18%; 1 homozygote.

Submissions (3):

Ambry Genetics
Classification: Uncertain significance. Last evaluated: 2021-09-17. Review status: criteria provided, single submitter. Criteria: Ambry Variant Classification Scheme 2023. Collection method: clinical testing. Allele origin: germline.

PreventionGenetics, part of Exact Sciences
Classification: Likely benign for ABCA13-related condition. Last evaluated: 2023-04-19. Review status: no assertion criteria provided. Collection method: clinical testing. Allele origin: germline. Not counted in ClinVar's aggregate classification.
Comment: This variant is classified as likely benign based on ACMG/AMP sequence variant interpretation guidelines (Richards et al. 2015 PMID: 25741868, with internal and published modifications).

Dr. Peter K. Rogan Lab, Western University
No classification provided (evidence only). Condition: Gastric cancer. Review status: no classification provided. Collection method: in vitro. Allele origin: not applicable. Functional consequence: retained intron. Not counted in ClinVar's aggregate classification.